The following is an entry in ClinVar:

ClinVar aggregate classification (germline): Uncertain significance. Review status: criteria provided, multiple submitters, no conflicts (2 of 4 stars). 4 submissions from 4 submitters: Uncertain significance (4). Last evaluated 2026-01-22.

Conditions:
Inborn genetic diseases. Identifiers: MedGen C0950123, MeSH D030342.

Allele frequency attached by ClinVar (database versions not stated): gnomAD exomes 0.00001 and 0.00003; TOPMed 0.00015; 1000 Genomes Project 30x 0.00016; 1000 Genomes Project 0.00020; ESP Exome Variant Server 0.00023; ExAC 0.00002; gnomAD 0.00008.
gnomAD v4.1: 24 of 1,614,040 alleles (0.0015%); highest among the groups gnomAD compares: African/African-American, 0.025%; no homozygotes.

Submissions (4):

GeneDx
Classification: Uncertain significance. Last evaluated: 2026-01-22. Review status: criteria provided, single submitter. Criteria: GeneDx Variant Classification Process June 2021. Collection method: clinical testing. Allele origin: germline. Affected: yes.
Comment: Has not been previously published as pathogenic or benign to our knowledge; In silico analysis supports that this missense variant has a deleterious effect on protein structure/function

Labcorp Genetics (formerly Invitae), Labcorp
Classification: Uncertain significance. Last evaluated: 2026-01-14. Review status: criteria provided, single submitter. Criteria: Invitae Variant Classification Sherloc (09022015). Collection method: clinical testing. Allele origin: germline.
Comment: This sequence change replaces glycine, which is neutral and non-polar, with serine, which is neutral and polar, at codon 232 of the COL9A2 protein (p.Gly232Ser). This variant is present in population databases (rs139013993, gnomAD 0.04%). This variant has not been reported in the literature in individuals affected with COL9A2-related conditions. ClinVar contains an entry for this variant (Variation ID: 1353034). Invitae Evidence Modeling of protein sequence and biophysical properties (such as structural, functional, and spatial information, amino acid conservation, physicochemical variation, residue mobility, and thermodynamic stability) indicates that this missense variant is expected to disrupt COL9A2 protein function with a positive predictive value of 95%. In summary, the available evidence is currently insufficient to determine the role of this variant in disease. Therefore, it has been classified as a Variant of Uncertain Significance.

Dasa
Classification: Uncertain significance. Last evaluated: 2025-01-20. Review status: criteria provided, single submitter. Criteria: DASA Assertion Criteria. Collection method: clinical testing. Allele origin: germline.
Comment: NM_001852.4(COL9A2):c.694G>A (p.Gly232Ser) is a missense variant that results in the substitution of glycine with serine. This variant is rare in population databases. Computational prediction algorithms are consistent with a deleterious effect. The currently available literature and clinical evidence are not sufficient to establish a definitive association between this variant and the reported condition. Therefore, this variant is classified as a variant of uncertain significance.

Ambry Genetics
Classification: Uncertain significance for Inborn genetic diseases. Last evaluated: 2021-10-06. Review status: criteria provided, single submitter. Criteria: Ambry Variant Classification Scheme 2023. Collection method: clinical testing. Allele origin: germline.

NM_001852.4(COL9A2):c.694G>A (p.Gly232Ser)

Gene: COL9A2 (collagen type IX alpha 2 chain; minus strand). Cytogenetic location: 1p34.2.
Variant type: single nucleotide variant.
Coding change: c.694G>A on transcript NM_001852.4 (MANE Select); coding-DNA position 694, G replaced by A.
Protein change: p.Gly232Ser; replaces glycine 232 with serine.
Molecular consequence: missense variant.
Genome position (GRCh38, 1-based): chr1:40,310,308, C>T on the plus strand (G>A on the coding strand, the complement: COL9A2 is on the minus strand). VCF-style: chr1-40310308-C-T. GRCh37 (hg19) VCF-style: chr1-40775980-C-T.
Other names: c.694G>A (NM_001852.3); short protein forms G232S.
Identifiers: ClinVar variation 1353034 (VCV001353034.10), dbSNP rs139013993, ClinGen allele CA791796.
Genomic context (GRCh38, chr1:40,310,308, plus strand): 5'-CCCAAGATTCACTTACCGTCTCTCCCTTGGGCCCTGCCATGCCTGGGTAGCCCCTGATGC[C>T]CTGGGGACCCTGTTGAGAAAGAAAAATGACAGCAATGGCAATTGCAAGGCCCACTTCATG-3'
Protein context (NP_001843.1, residues 222-242): QGIPGPPGPQ[Gly232Ser]IRGYPGMAGP